The following is an entry in ClinVar:

ClinVar aggregate classification (germline): Uncertain significance (1 of 4 stars; one submission).

Conditions:
RASopathy. Also called: Noonan spectrum disorder; rasopathies. Identifiers: Orphanet 536391, MedGen C5555857, MONDO:0021060.

Submission:

Labcorp Genetics (formerly Invitae), Labcorp
Classification: Uncertain significance for RASopathy. Last evaluated: 2024-05-16. Review status: criteria provided, single submitter. Criteria: Invitae Variant Classification Sherloc (09022015). Collection method: clinical testing. Allele origin: germline.
Comment: This sequence change replaces phenylalanine, which is neutral and non-polar, with leucine, which is neutral and non-polar, at codon 371 of the MAP2K1 protein (p.Phe371Leu). This variant is not present in population databases (gnomAD no frequency). This variant has not been reported in the literature in individuals affected with MAP2K1-related conditions. Advanced modeling of protein sequence and biophysical properties (such as structural, functional, and spatial information, amino acid conservation, physicochemical variation, residue mobility, and thermodynamic stability) performed at Invitae indicates that this missense variant is not expected to disrupt MAP2K1 protein function with a negative predictive value of 80%. In summary, the available evidence is currently insufficient to determine the role of this variant in disease. Therefore, it has been classified as a Variant of Uncertain Significance.

NM_002755.4(MAP2K1):c.1113T>G (p.Phe371Leu)

Genes: MAP2K1 (mitogen-activated protein kinase kinase 1; plus strand), SNAPC5 (small nuclear RNA activating complex polypeptide 5; minus strand). Cytogenetic location: 15q22.31.
Variant type: single nucleotide variant.
Coding change: c.1113T>G on transcript NM_002755.4 (MANE Select); coding-DNA position 1113, T replaced by G.
Protein change: p.Phe371Leu; replaces phenylalanine 371 with leucine.
Molecular consequence: missense variant. On other transcripts: 3 prime UTR variant (1), non-coding transcript variant (1).
Genome position (GRCh38, 1-based): chr15:66,490,546, T>G. VCF-style: chr15-66490546-T-G. GRCh37 (hg19) VCF-style: chr15-66782884-T-G.
Other names: c.*193A>C (NM_006049.4); c.969T>G, p.Phe323Leu (NM_001411065.1); short protein forms F323L, F371L.
Identifiers: ClinVar variation 2997336 (VCV002997336.3), dbSNP rs767237502, ClinGen allele CA392938969.